The following is an entry in ClinVar:

NM_002858.4(ABCD3):c.8C>T (p.Ala3Val)

Gene: ABCD3 (ATP binding cassette subfamily D member 3; plus strand). Cytogenetic location: 1p21.3.
Variant type: single nucleotide variant.
Coding change: c.8C>T on transcript NM_002858.4 (MANE Select); coding-DNA position 8, C replaced by T.
Protein change: p.Ala3Val; replaces alanine 3 with valine.
Molecular consequence: missense variant.
Genome position (GRCh38, 1-based): chr1:94,418,486, C>T. VCF-style: chr1-94418486-C-T. GRCh37 (hg19) VCF-style: chr1-94884042-C-T.
Other names: c.8C>T, p.Ala3Val (NM_001122674.2); c.8C>T (NM_002858.3); short protein forms A3V.
Identifiers: ClinVar variation 2981452 (VCV002981452.4), dbSNP rs150616788, ClinGen allele CA959975.
Genomic context (GRCh38, chr1:94,418,486, plus strand): 5'-CCGCCGCCGCCGCCGCCGCGTCCCCTCGCCGGCTCGCTGGTACCGGCAGTGCCATGGCGG[C>T]CTTCAGCAAGTACTTGACGGCGCGAAACTCCTCGCTGGCTGGTGCCGCGTTCCTGCTGCT-3'
Protein context (NP_002849.1, residues 1-13): MA[Ala3Val]FSKYLTARNS

ClinVar aggregate classification (germline): Uncertain significance. Review status: criteria provided, multiple submitters, no conflicts (2 of 4 stars). 2 submissions from 2 submitters: Uncertain significance (2). Last evaluated 2025-12-13.

Allele frequency attached by ClinVar (database versions not stated): TOPMed 0.00011; ESP Exome Variant Server 0.00031; gnomAD 0.00009; ExAC 0.00007; gnomAD exomes 0.00012.
gnomAD v4.1: 190 of 1,600,616 alleles (0.012%); highest among the groups gnomAD compares: Non-Finnish European, 0.015%; no homozygotes.

Submissions (2):

Labcorp Genetics (formerly Invitae), Labcorp
Classification: Uncertain significance. Last evaluated: 2025-12-13. Review status: criteria provided, single submitter. Criteria: Invitae Variant Classification Sherloc (09022015). Collection method: clinical testing. Allele origin: germline.
Comment: This sequence change replaces alanine, which is neutral and non-polar, with valine, which is neutral and non-polar, at codon 3 of the ABCD3 protein (p.Ala3Val). This variant is present in population databases (rs150616788, gnomAD 0.01%). This variant has not been reported in the literature in individuals affected with ABCD3-related conditions. ClinVar contains an entry for this variant (Variation ID: 2981452). An algorithm developed to predict the effect of missense changes on protein structure and function (PolyPhen-2) suggests that this variant is likely to be tolerated. In summary, the available evidence is currently insufficient to determine the role of this variant in disease. Therefore, it has been classified as a Variant of Uncertain Significance.

Ambry Genetics
Classification: Uncertain significance. Last evaluated: 2024-01-03. Review status: criteria provided, single submitter. Criteria: Ambry Variant Classification Scheme 2023. Collection method: clinical testing. Allele origin: germline.